The following is an entry in ClinVar:

ClinVar aggregate classification (germline): Pathogenic (1 of 4 stars; one submission).

Submission:

Labcorp Genetics (formerly Invitae), Labcorp
Classification: Pathogenic. Last evaluated: 2022-01-13. Review status: criteria provided, single submitter. Criteria: Invitae Variant Classification Sherloc (09022015). Collection method: clinical testing. Allele origin: germline.
Comment: For these reasons, this variant has been classified as Pathogenic. This variant has not been reported in the literature in individuals affected with MSH3-related conditions. This variant is a gross deletion of the genomic region encompassing exon(s) 3-14 of the MSH3 gene. This deletion is out-of-frame, and is expected to create a premature termination codon and result in an absent or disrupted protein product. Loss-of-function variants in MSH3 are known to be pathogenic (PMID: 27476653).

Literature cited by the submitters: PubMed 27476653.

NC_000005.9:g.(?_79960952)_(80063949_?)del

Gene: MSH3 (mutS homolog 3; plus strand). Cytogenetic location: 5q14.1.
Variant type: Deletion.
Identifiers: ClinVar variation 2424440 (VCV002424440.4).